The following is an entry in ClinVar:

NM_002875.5(RAD51):c.109G>C (p.Asp37His)

Gene: RAD51 (RAD51 recombinase; plus strand). Cytogenetic location: 15q15.1.
Variant type: single nucleotide variant.
Coding change: c.109G>C on transcript NM_002875.5 (MANE Select); coding-DNA position 109, G replaced by C.
Protein change: p.Asp37His; replaces aspartic acid 37 with histidine.
Molecular consequence: missense variant.
Genome position (GRCh38, 1-based): chr15:40,701,085, G>C. VCF-style: chr15-40701085-G-C. GRCh37 (hg19) VCF-style: chr15-40993283-G-C.
Other names: c.109G>C, p.Asp37His (NM_001164269.2, NM_001164270.2, NM_133487.4); short protein forms D37H.
Identifiers: ClinVar variation 2497667 (VCV002497667.2), dbSNP rs1428987216, ClinGen allele CA391745492.
Genomic context (GRCh38, chr15:40,701,085, plus strand): 5'-CTAAAGCTTAAATTTATCCATGGTTTTCTTCATTTGCAGCAGTGTGGCATAAATGCCAAC[G>C]ATGTGAAGAAATTGGAAGAAGCTGGATTCCATACTGTGGAGGCTGTTGCCTATGCGCCAA-3'
Protein context (NP_002866.2, residues 27-47): RLEQCGINAN[Asp37His]VKKLEEAGFH

ClinVar aggregate classification (germline): Uncertain significance (1 of 4 stars; one submission).

Conditions:
Inborn genetic diseases. Identifiers: MedGen C0950123, MeSH D030342.

Submission:

Ambry Genetics
Classification: Uncertain significance for Inborn genetic diseases. Last evaluated: 2022-12-03. Review status: criteria provided, single submitter. Criteria: Ambry Variant Classification Scheme 2023. Collection method: clinical testing. Allele origin: germline.
Comment: The p.D37H variant (also known as c.109G>C), located in coding exon 2 of the RAD51 gene, results from a G to C substitution at nucleotide position 109. The aspartic acid at codon 37 is replaced by histidine, an amino acid with similar properties. This amino acid position is conserved. In addition, this alteration is predicted to be deleterious by in silico analysis. Since supporting evidence is limited at this time, the clinical significance of this alteration remains unclear.